The following is an entry in ClinVar:

NM_000213.5(ITGB4):c.2783-2A>G

Gene: ITGB4 (integrin subunit beta 4; plus strand). Cytogenetic location: 17q25.1.
Variant type: single nucleotide variant.
Coding change: c.2783-2A>G on transcript NM_000213.5 (MANE Select); the canonical splice acceptor site of the intron before coding-DNA position 2783, A replaced by G.
Molecular consequence: splice acceptor variant.
Genome position (GRCh38, 1-based): chr17:75,742,580, A>G. VCF-style: chr17-75742580-A-G. GRCh37 (hg19) VCF-style: chr17-73738661-A-G.
Other names: c.2783-2A>G (NM_001005619.2, NM_001005731.3, NM_001438834.1 and 1 more transcripts).
Identifiers: ClinVar variation 208591 (VCV000208591.9), dbSNP rs758551913, ClinGen allele CA276008.

ClinVar aggregate classification (germline): Pathogenic/Likely pathogenic. Review status: criteria provided, multiple submitters, no conflicts (2 of 4 stars). 4 submissions from 4 submitters: Pathogenic (3); Likely pathogenic (1). Last evaluated 2023-05-22.

Conditions:
Junctional epidermolysis bullosa with pyloric atresia. Also called: APLASIA CUTIS CONGENITA WITH GASTROINTESTINAL ATRESIA; CARMI SYNDROME; EB-PA-ACC; Junctional Epidermolysis Bullosa- Pyloric Atresia Syndrome; ITGB4-Related Epidermolysis Bullosa with Pyloric Atresia; ITGA6-Related Epidermolysis Bullosa with Pyloric Atresia. Identifiers: Orphanet 79403, MedGen C5676875, MONDO:0009183, OMIM 226730.

Allele frequency attached by ClinVar (database versions not stated): gnomAD exomes below 0.00001; ExAC 0.00001.

Submissions (4):

Labcorp Genetics (formerly Invitae), Labcorp
Classification: Pathogenic. Last evaluated: 2023-05-22. Review status: criteria provided, single submitter. Criteria: Invitae Variant Classification Sherloc (09022015). Collection method: clinical testing. Allele origin: germline.
Comment: This sequence change affects an acceptor splice site in intron 24 of the ITGB4 gene. It is expected to disrupt RNA splicing. Variants that disrupt the donor or acceptor splice site typically lead to a loss of protein function (PMID: 16199547), and loss-of-function variants in ITGB4 are known to be pathogenic (PMID: 11328943, 16473856). This variant is present in population databases (rs758551913, gnomAD 0.003%). Disruption of this splice site has been observed in individual(s) with epidermolysis bullosa (PMID: 26739954, 34597860). In at least one individual the data is consistent with being in trans (on the opposite chromosome) from a pathogenic variant. ClinVar contains an entry for this variant (Variation ID: 208591). Algorithms developed to predict the effect of sequence changes on RNA splicing suggest that this variant may disrupt the consensus splice site. For these reasons, this variant has been classified as Pathogenic.

Biomedical Innovation Departament, CIEMAT
Classification: Pathogenic for Epidermolysis bullosa junctionalis with pyloric atresia. Last evaluated: 2018-11-26. Review status: criteria provided, single submitter. Criteria: ACMG Guidelines, 2015. Collection method: research. Allele origin: germline. Affected: yes. Observed: 1 variant allele.

Laboratory for Molecular Medicine, Mass General Brigham Personalized Medicine
Classification: Likely pathogenic for Epidermolysis bullosa with pyloric atresia. Last evaluated: 2014-04-23. Review status: criteria provided, single submitter. Criteria: LMM Criteria. Collection method: clinical testing. Allele origin: germline. Inheritance: Autosomal recessive inheritance. Observed: 1 variant allele. Study: CSER-MedSeq.
Comment: The c.2783-2A>G variant in ITGB4 has not been reported in individuals with epidermolysis bullosa with pyloric atresia and was absent from large population studies. This variant occurs in the invariant region (+/- 1/2) of the splice consensus sequence and is predicted to cause altered splicing leading to an abnormal or absent protein. In summary, although additional studies are required to fully establish its clinical significance, the c.2783-2A>G variant is likely pathogenic.

Neuberg Centre For Genomic Medicine, NCGM
Classification: Pathogenic for Junctional epidermolysis bullosa with pyloric atresia. Review status: criteria provided, single submitter. Criteria: ACMG Guidelines, 2015. Collection method: clinical testing. Allele origin: germline. Inheritance: Autosomal recessive inheritance. Affected: yes.
Comment: The splice site variant c.2783-2A>G in ITGB4 gene has not been reported previously as a pathogenic variant nor as a benign variant, to our knowledge. This variant has been reported to the ClinVar database as Likely Pathogenic/Pathogenic. The variant is novel (not in any individuals) in 1000 Genomes and allele frequency of 0.0003995% is reported in gnomAD. The nucleotide change in ITGB4 is predicted as conserved by GERP++ and PhyloP across 100 vertebrates. Loss of function variants have been previously reported to be disease causing. For these reasons, this variant has been classified as Pathogenic.

Literature cited by the submitters: PubMed 16199547 (cited by Labcorp Genetics (formerly Invitae), Labcorp); PubMed 11328943 (cited by Labcorp Genetics (formerly Invitae), Labcorp); PubMed 16473856 (cited by Labcorp Genetics (formerly Invitae), Labcorp); PubMed 26739954 (cited by Labcorp Genetics (formerly Invitae), Labcorp); PubMed 34597860 (cited by Labcorp Genetics (formerly Invitae), Labcorp).